The following is an entry in ClinVar:

ClinVar aggregate classification (germline): Uncertain significance. Review status: criteria provided, multiple submitters, no conflicts (2 of 4 stars). 3 submissions from 3 submitters: Uncertain significance (3). Last evaluated 2025-10-02.

Conditions:
Familial cancer of breast. Also called: hereditary breast carcinoma; BREAST CANCER, FAMILIAL; Hereditary breast cancer. Identifiers: Orphanet 227535, MedGen C0346153, MONDO:0016419, OMIM 114480. Disease mechanism: loss of function.
Fanconi anemia complementation group J. Also called: BRIP1-Related Fanconi Anemia. Identifiers: Orphanet 84, MedGen C1836860, MONDO:0012187, OMIM 609054.
Hereditary cancer-predisposing syndrome. Also called: Tumor predisposition; Hereditary Cancer Syndrome; Neoplastic Syndromes, Hereditary; Hereditary neoplastic syndrome. Identifiers: Orphanet 140162, MedGen C0027672, MeSH D009386, MONDO:0015356.

Allele frequency attached by ClinVar (database versions not stated): ExAC 0.00001.
gnomAD v4.1: 2 of 1,611,546 alleles (0.00012%); highest among the groups gnomAD compares: Admixed American, 0.0033%; no homozygotes.

Submissions (3):

Ambry Genetics
Classification: Uncertain significance for Hereditary cancer-predisposing syndrome. Last evaluated: 2025-10-02. Review status: criteria provided, single submitter. Criteria: Ambry Variant Classification Scheme 2023. Collection method: clinical testing. Allele origin: germline.
Comment: The p.I1231R variant (also known as c.3692T>G), located in coding exon 19 of the BRIP1 gene, results from a T to G substitution at nucleotide position 3692. The isoleucine at codon 1231 is replaced by arginine, an amino acid with similar properties. This amino acid position is not well conserved in available vertebrate species. In addition, this alteration is predicted to be tolerated by in silico analysis. Since supporting evidence is limited at this time, the clinical significance of this alteration remains unclear.

Labcorp Genetics (formerly Invitae), Labcorp
Classification: Uncertain significance for Familial cancer of breast; Fanconi anemia complementation group J. Last evaluated: 2024-05-17. Review status: criteria provided, single submitter. Criteria: Invitae Variant Classification Sherloc (09022015). Collection method: clinical testing. Allele origin: germline.
Comment: This sequence change replaces isoleucine, which is neutral and non-polar, with arginine, which is basic and polar, at codon 1231 of the BRIP1 protein (p.Ile1231Arg). This variant is present in population databases (rs780578438, gnomAD 0.003%). This variant has not been reported in the literature in individuals affected with BRIP1-related conditions. ClinVar contains an entry for this variant (Variation ID: 1014384). Algorithms developed to predict the effect of missense changes on protein structure and function output the following: SIFT: "Not Available"; PolyPhen-2: "Benign"; Align-GVGD: "Not Available". The arginine amino acid residue is found in multiple mammalian species, which suggests that this missense change does not adversely affect protein function. In summary, the available evidence is currently insufficient to determine the role of this variant in disease. Therefore, it has been classified as a Variant of Uncertain Significance.

GeneDx
Classification: Uncertain significance. Last evaluated: 2019-09-24. Review status: criteria provided, single submitter. Criteria: GeneDx Variant Classification Process June 2021. Collection method: clinical testing. Allele origin: germline. Affected: yes.
Comment: Not observed at a significant frequency in large population cohorts (Lek 2016); In silico analysis, which includes protein predictors and evolutionary conservation, supports that this variant does not alter protein structure/function; Has not been previously published as pathogenic or benign to our knowledge

NM_032043.3(BRIP1):c.3692T>G (p.Ile1231Arg)

Gene: BRIP1 (BRCA1 interacting DNA helicase 1; minus strand). Cytogenetic location: 17q23.2.
Variant type: single nucleotide variant.
Coding change: c.3692T>G on transcript NM_032043.3 (MANE Select); coding-DNA position 3692, T replaced by G.
Protein change: p.Ile1231Arg; replaces isoleucine 1231 with arginine.
Molecular consequence: missense variant.
Genome position (GRCh38, 1-based): chr17:61,683,354, A>C on the plus strand (T>G on the coding strand, the complement: BRIP1 is on the minus strand). VCF-style: chr17-61683354-A-C. GRCh37 (hg19) VCF-style: chr17-59760715-A-C.
Other names: short protein forms I1231R.
Identifiers: ClinVar variation 1014384 (VCV001014384.14), dbSNP rs780578438, ClinGen allele CA8690337.